The following is an entry in ClinVar:

ClinVar aggregate classification (germline): Uncertain significance (1 of 4 stars; one submission).

Conditions:
Nemaline myopathy 2 (NEM2). Also called: Nemaline myopathy 2, autosomal recessive. Identifiers: MedGen C1850569, MONDO:0009725, OMIM 256030.

gnomAD v4.1: 1 of 1,613,056 alleles (0.000062%); highest among the groups gnomAD compares: Non-Finnish European, 0.000085%; no homozygotes.

Submission:

Labcorp Genetics (formerly Invitae), Labcorp
Classification: Uncertain significance for Nemaline myopathy 2. Last evaluated: 2021-01-06. Review status: criteria provided, single submitter. Criteria: Invitae Variant Classification Sherloc (09022015). Collection method: clinical testing. Allele origin: germline.
Comment: In summary, the available evidence is currently insufficient to determine the role of this variant in disease. Therefore, it has been classified as a Variant of Uncertain Significance. Nucleotide substitutions within the consensus splice site are a relatively common cause of aberrant splicing (PMID: 17576681, 9536098). Algorithms developed to predict the effect of sequence changes on RNA splicing suggest that this variant may disrupt the consensus splice site, but this prediction has not been confirmed by published transcriptional studies. This variant has been observed in individual(s) with clinical features of nemaline myopathy (Invitae). This variant is not present in population databases (ExAC no frequency). This sequence change falls in intron 69 of the NEB gene. It does not directly change the encoded amino acid sequence of the NEB protein. It affects a nucleotide within the consensus splice site of the intron.

Literature cited by the submitters: PubMed 17576681; PubMed 9536098.

NM_001164508.2(NEB):c.10143+5G>C

Gene: NEB (nebulin; minus strand). Cytogenetic location: 2q23.3.
Variant type: single nucleotide variant.
Coding change: c.10143+5G>C on transcript NM_001164508.2 (MANE Select); 5 bases into the intron after coding-DNA position 10143, G replaced by C.
Molecular consequence: intron variant.
Genome position (GRCh38, 1-based): chr2:151,627,518, C>G on the plus strand (G>C on the coding strand, the complement: NEB is on the minus strand). VCF-style: chr2-151627518-C-G. GRCh37 (hg19) VCF-style: chr2-152484032-C-G.
Other names: c.9414+5G>C (NM_004543.5); c.10143+5G>C (NM_001164507.2, NM_001271208.2).
Identifiers: ClinVar variation 1362853 (VCV001362853.8), dbSNP rs1158552388, ClinGen allele CA2573133417.